The following is an entry in ClinVar:

ClinVar aggregate classification (germline): Uncertain significance. Review status: criteria provided, multiple submitters, no conflicts (2 of 4 stars). 2 submissions from 2 submitters: Uncertain significance (2). Last evaluated 2025-09-11.

Conditions:
Inborn genetic diseases. Identifiers: MedGen C0950123, MeSH D030342.

gnomAD v4.1: 28 of 1,613,768 alleles (0.0017%); highest among the groups gnomAD compares: Middle Eastern, 0.017%; no homozygotes.

Submissions (2):

Ambry Genetics
Classification: Uncertain significance for Inborn genetic diseases. Last evaluated: 2025-09-11. Review status: criteria provided, single submitter. Criteria: Ambry Variant Classification Scheme 2023. Collection method: clinical testing. Allele origin: germline.

Labcorp Genetics (formerly Invitae), Labcorp
Classification: Uncertain significance. Last evaluated: 2024-08-06. Review status: criteria provided, single submitter. Criteria: Invitae Variant Classification Sherloc (09022015). Collection method: clinical testing. Allele origin: germline.
Comment: This sequence change replaces glycine, which is neutral and non-polar, with serine, which is neutral and polar, at codon 15 of the ANG protein (p.Gly15Ser). This variant is present in population databases (rs771332480, gnomAD 0.03%). This variant has not been reported in the literature in individuals affected with ANG-related conditions. An algorithm developed to predict the effect of missense changes on protein structure and function outputs the following: PolyPhen-2: "Not Available". The serine amino acid residue is found in multiple mammalian species, which suggests that this missense change does not adversely affect protein function. In summary, the available evidence is currently insufficient to determine the role of this variant in disease. Therefore, it has been classified as a Variant of Uncertain Significance.

NM_001097577.3(ANG):c.43G>A (p.Gly15Ser)

Genes: ANG (angiogenin; plus strand), EGILA (EGFR interacting lncRNA; minus strand), RNASE4 (ribonuclease A family member 4; plus strand). Cytogenetic location: 14q11.2.
Variant type: single nucleotide variant.
Coding change: c.43G>A on transcript NM_001097577.3 (MANE Select); coding-DNA position 43, G replaced by A.
Protein change: p.Gly15Ser; replaces glycine 15 with serine.
Molecular consequence: missense variant. On other transcripts: intron variant (3), non-coding transcript variant (1), 5 prime UTR variant (1).
Genome position (GRCh38, 1-based): chr14:20,693,607, G>A. VCF-style: chr14-20693607-G-A. GRCh37 (hg19) VCF-style: chr14-21161766-G-A.
Other names: c.-18+4733G>A (NM_194431.3); c.43G>A, p.Gly15Ser (NM_001145.4, NM_001385271.1, NM_001385272.1 and 2 more transcripts); c.-61G>A (NM_001282192.2); c.-17-5748G>A (NM_002937.5, NM_001282193.2); short protein forms G15S.
Identifiers: ClinVar variation 3637783 (VCV003637783.3).